The following is an entry in ClinVar:

ClinVar aggregate classification (germline): Uncertain significance (1 of 4 stars; one submission).

Allele frequency attached by ClinVar (database versions not stated): gnomAD exomes below 0.00001.

Submission:

Labcorp Genetics (formerly Invitae), Labcorp
Classification: Uncertain significance. Last evaluated: 2024-01-08. Review status: criteria provided, single submitter. Criteria: Invitae Variant Classification Sherloc (09022015). Collection method: clinical testing. Allele origin: germline.
Comment: This sequence change replaces arginine, which is basic and polar, with tryptophan, which is neutral and slightly polar, at codon 71 of the FBXO11 protein (p.Arg71Trp). This variant is not present in population databases (gnomAD no frequency). This variant has not been reported in the literature in individuals affected with FBXO11-related conditions. An algorithm developed to predict the effect of missense changes on protein structure and function (PolyPhen-2) suggests that this variant is likely to be tolerated. In summary, the available evidence is currently insufficient to determine the role of this variant in disease. Therefore, it has been classified as a Variant of Uncertain Significance.

NM_001190274.2(FBXO11):c.211C>T (p.Arg71Trp)

Gene: FBXO11 (F-box protein 11; minus strand). Cytogenetic location: 2p16.3.
Variant type: single nucleotide variant.
Coding change: c.211C>T on transcript NM_001190274.2 (MANE Select); coding-DNA position 211, C replaced by T.
Protein change: p.Arg71Trp; replaces arginine 71 with tryptophan.
Molecular consequence: missense variant.
Genome position (GRCh38, 1-based): chr2:47,905,510, G>A on the plus strand (C>T on the coding strand, the complement: FBXO11 is on the minus strand). VCF-style: chr2-47905510-G-A. GRCh37 (hg19) VCF-style: chr2-48132649-G-A.
Other names: short protein forms R71W.
Identifiers: ClinVar variation 2698931 (VCV002698931.3), dbSNP rs1414724096, ClinGen allele CA346812506.